The following is an entry in ClinVar:

NM_001457.4(FLNB):c.6310C>T (p.Arg2104Trp)

Gene: FLNB (filamin B; plus strand). Cytogenetic location: 3p14.3.
Variant type: single nucleotide variant.
Coding change: c.6310C>T on transcript NM_001457.4 (MANE Select); coding-DNA position 6310, C replaced by T.
Protein change: p.Arg2104Trp; replaces arginine 2104 with tryptophan.
Molecular consequence: missense variant.
Genome position (GRCh38, 1-based): chr3:58,150,170, C>T. VCF-style: chr3-58150170-C-T. GRCh37 (hg19) VCF-style: chr3-58135897-C-T.
Other names: c.6403C>T, p.Arg2135Trp (NM_001164317.2); c.6277C>T, p.Arg2093Trp (NM_001164318.2); c.6238C>T, p.Arg2080Trp (NM_001164319.2); short protein forms R2080W, R2093W, R2104W, R2135W.
Identifiers: ClinVar variation 1314711 (VCV001314711.6), dbSNP rs751795794, ClinGen allele CA2469311.

ClinVar aggregate classification (germline): Conflicting classifications of pathogenicity. Review status: criteria provided, conflicting classifications (1 of 4 stars). 2 submissions from 2 submitters: Uncertain significance (1); Likely benign (1). Last evaluated 2025-07-17.

Allele frequency attached by ClinVar (database versions not stated): gnomAD 0.00001; TOPMed 0.00002; gnomAD exomes 0.00003 and 0.00005; ExAC 0.00004.
gnomAD v4.1: 50 of 1,614,210 alleles (0.0031%); highest among the groups gnomAD compares: East Asian, 0.056%; no homozygotes.

Submissions (2):

Labcorp Genetics (formerly Invitae), Labcorp
Classification: Likely benign. Last evaluated: 2025-07-17. Review status: criteria provided, single submitter. Criteria: Invitae Variant Classification Sherloc (09022015). Collection method: clinical testing. Allele origin: germline.

GeneDx
Classification: Uncertain significance. Last evaluated: 2021-04-06. Review status: criteria provided, single submitter. Criteria: GeneDx Variant Classification Process June 2021. Collection method: clinical testing. Allele origin: germline. Affected: yes.
Comment: In silico analysis supports that this missense variant has a deleterious effect on protein structure/function; Has not been previously published as pathogenic or benign to our knowledge